The following is an entry in ClinVar:

NM_001330360.2(POLA1):c.5C>T (p.Ala2Val)

Gene: POLA1 (DNA polymerase alpha 1, catalytic subunit; plus strand). Cytogenetic location: Xp22.11.
Variant type: single nucleotide variant.
Coding change: c.5C>T on transcript NM_001330360.2 (MANE Select); coding-DNA position 5, C replaced by T.
Protein change: p.Ala2Val; replaces alanine 2 with valine.
Molecular consequence: missense variant. On other transcripts: non-coding transcript variant (2).
Genome position (GRCh38, 1-based): chrX:24,693,966, C>T. VCF-style: chrX-24693966-C-T. GRCh37 (hg19) VCF-style: chrX-24712083-C-T.
Other names: c.5C>T, p.Ala2Val (NM_001378303.1, NM_001440806.1, NM_016937.4); short protein forms A2V.
Identifiers: ClinVar variation 4975904 (VCV004975904.1).

ClinVar aggregate classification (germline): Uncertain significance (1 of 4 stars; one submission).

Submission:

GeneDx
Classification: Uncertain significance. Last evaluated: 2026-02-07. Review status: criteria provided, single submitter. Criteria: GeneDx Variant Classification Process June 2021. Collection method: clinical testing. Allele origin: germline.
Comment: Not observed at significant frequency in large population cohorts (gnomAD); In silico analysis suggests that this missense variant does not alter protein structure/function; In silico analysis suggests this variant may impact gene splicing. In the absence of RNA/functional studies, the actual effect of this sequence change is unknown.; Has not been previously published as pathogenic or benign to our knowledge